The following is an entry in ClinVar:

NM_001134831.2(AHI1):c.1304G>A (p.Arg435Gln)

Gene: AHI1 (Abelson helper integration site 1; minus strand). Cytogenetic location: 6q23.3.
Variant type: single nucleotide variant.
Coding change: c.1304G>A on transcript NM_001134831.2 (MANE Select); coding-DNA position 1304, G replaced by A.
Protein change: p.Arg435Gln; replaces arginine 435 with glutamine.
Molecular consequence: missense variant.
Genome position (GRCh38, 1-based): chr6:135,455,774, C>T on the plus strand (G>A on the coding strand, the complement: AHI1 is on the minus strand). VCF-style: chr6-135455774-C-T. GRCh37 (hg19) VCF-style: chr6-135776912-C-T.
Other names: c.1304G>A, p.Arg435Gln (NM_001134830.2, NM_001134832.2, NM_001350503.2 and 2 more transcripts); short protein forms R435Q.
Identifiers: ClinVar variation 696027 (VCV000696027.18), dbSNP rs545841352, ClinGen allele CA4012624.

ClinVar aggregate classification (germline): Conflicting classifications of pathogenicity. Review status: criteria provided, conflicting classifications (1 of 4 stars). 6 submissions from 6 submitters: Uncertain significance (1); Benign (1); Likely benign (4). Last evaluated 2026-07-31.

Conditions:
Joubert syndrome 3 (JBTS3). Also called: AHI1-related Ciliopathy. Identifiers: Orphanet 220493, MedGen C1837713, MONDO:0012078, OMIM 608629.
Joubert syndrome. Also called: Familial aplasia of the vermis; JOUBERT-BOLTSHAUSER SYNDROME. Identifiers: Orphanet 475, MedGen C5979921, MONDO:0018772.
AHI1-related disorder. Also called: AHI1-related condition.
Type 2 diabetes mellitus. Also called: Type II diabetes mellitus. Identifiers: MedGen C0011860, MeSH D003924, MONDO:0005148, OMIM 125853, HP:0005978.

Allele frequency attached by ClinVar (database versions not stated): TOPMed 0.00007; 1000 Genomes Project 30x 0.00047; 1000 Genomes Project 0.00060; ExAC 0.00081.
gnomAD v4.1: 370 of 1,603,320 alleles (0.023%); highest among the groups gnomAD compares: South Asian, 0.24%; 3 homozygotes.

Submissions (6):

PreventionGenetics, part of Exact Sciences
Classification: Likely benign for AHI1-related condition. Last evaluated: 2026-07-31. Review status: criteria provided, single submitter. Criteria: ACMG Guidelines, 2015. Collection method: clinical testing. Allele origin: germline.
Comment: This variant is classified as likely benign based on ACMG/AMP sequence variant interpretation guidelines (Richards et al. 2015 PMID: 25741868, with internal and published modifications).

Labcorp Genetics (formerly Invitae), Labcorp
Classification: Benign for Joubert syndrome. Last evaluated: 2025-12-13. Review status: criteria provided, single submitter. Criteria: Invitae Variant Classification Sherloc (09022015). Collection method: clinical testing. Allele origin: germline.

Blueprint Genetics
Classification: Likely benign. Last evaluated: 2024-10-08. Review status: criteria provided, single submitter. Criteria: ACMG Guidelines, 2015. Collection method: clinical testing. Allele origin: germline.

Cambridge Genomics Laboratory, East Genomic Laboratory Hub, NHS Genomic Medicine Service
Classification: Likely benign for Type 2 diabetes mellitus. Last evaluated: 2020-01-29. Review status: criteria provided, single submitter. Criteria: ACGS Best Practice Guidelines for Variant Classification in Rare Disease 2020. Collection method: clinical testing. Allele origin: germline. Affected: yes. Observed: 1 variant allele.

GeneDx
Classification: Likely benign. Last evaluated: 2019-06-14. Review status: criteria provided, single submitter. Criteria: GeneDx Variant Classification Process June 2021. Collection method: clinical testing. Allele origin: germline. Affected: yes.
Comment: See Variant Classification Assertion Criteria.

Illumina Laboratory Services, Illumina
Classification: Uncertain significance for Joubert syndrome 3. Last evaluated: 2017-04-27. Review status: criteria provided, single submitter. Criteria: ICSL Variant Classification Criteria 13 December 2019. Collection method: clinical testing. Allele origin: germline.